The following is an entry in ClinVar:

NM_001171201.1(UBAP1):c.12G>C (p.Ala4=)

Gene: UBAP1 (ubiquitin associated protein 1; plus strand). Cytogenetic location: 9p13.3.
Variant type: single nucleotide variant.
Coding change: c.12G>C on transcript NM_001171201.1; coding-DNA position 12, G replaced by C.
Protein change: p.Ala4=; no amino-acid change (alanine 4 retained).
Molecular consequence: synonymous variant.
Genome position (GRCh38, 1-based): chr9:34,179,026, G>C. VCF-style: chr9-34179026-G-C. GRCh37 (hg19) VCF-style: chr9-34179024-G-C.
Other names: c.12G>C, p.Ala4= (NM_001171202.1).
Identifiers: ClinVar variation 4981055 (VCV004981055.1).

ClinVar aggregate classification (germline): Likely benign (1 of 4 stars; one submission).

Conditions:
UBAP1-related disorder. Also called: UBAP1-related condition.

gnomAD v4.1: 5 of 1,260,320 alleles (0.0004%); highest among the groups gnomAD compares: Middle Eastern, 0.021%; no homozygotes.

Submission:

PreventionGenetics, part of Exact Sciences
Classification: Likely benign for UBAP1-related condition. Last evaluated: 2026-08-10. Review status: criteria provided, single submitter. Criteria: ACMG Guidelines, 2015. Collection method: clinical testing. Allele origin: germline.
Comment: This variant is classified as likely benign based on ACMG/AMP sequence variant interpretation guidelines (Richards et al. 2015 PMID: 25741868, with internal and published modifications).